The following is an entry in ClinVar:

NM_017947.4(MOCOS):c.91G>T (p.Gly31Cys)

Gene: MOCOS (molybdenum cofactor sulfurase; plus strand). Cytogenetic location: 18q12.2.
Variant type: single nucleotide variant.
Coding change: c.91G>T on transcript NM_017947.4 (MANE Select); coding-DNA position 91, G replaced by T.
Protein change: p.Gly31Cys; replaces glycine 31 with cysteine.
Molecular consequence: missense variant.
Genome position (GRCh38, 1-based): chr18:36,187,630, G>T. VCF-style: chr18-36187630-G-T. GRCh37 (hg19) VCF-style: chr18-33767593-G-T.
Other names: short protein forms G31C.
Identifiers: ClinVar variation 1502809 (VCV001502809.6), dbSNP rs2091346501, ClinGen allele CA402224736.
Genomic context (GRCh38, chr18:36,187,630, plus strand): 5'-GAGCTGTGGACCTTCGCGGGTTCCCGGGACCCGAGCGCACCGCGGCTAGCCTACGGCTAC[G>T]GCCCGGGCAGCCTGCGCGAGCTGCGGGCGCGCGAGTTCAGCCGCCTGGCAGGTGAGGCGG-3'
Protein context (NP_060417.4, residues 21-41): PSAPRLAYGY[Gly31Cys]PGSLRELRAR

ClinVar aggregate classification (germline): Uncertain significance (1 of 4 stars; one submission).

Conditions:
Xanthinuria type II. Also called: Xanthine dehydrogenase and aldehyde oxidase combined deficiency of; XDH and AOX dual deficiency. Identifiers: Orphanet 3467, Orphanet 93602, MedGen C1863688, MONDO:0011346, OMIM 603592.

Submission:

Labcorp Genetics (formerly Invitae), Labcorp
Classification: Uncertain significance for Xanthinuria type II. Last evaluated: 2024-05-15. Review status: criteria provided, single submitter. Criteria: Invitae Variant Classification Sherloc (09022015). Collection method: clinical testing. Allele origin: germline.
Comment: This sequence change replaces glycine, which is neutral and non-polar, with cysteine, which is neutral and slightly polar, at codon 31 of the MOCOS protein (p.Gly31Cys). This variant is not present in population databases (gnomAD no frequency). This variant has not been reported in the literature in individuals affected with MOCOS-related conditions. ClinVar contains an entry for this variant (Variation ID: 1502809). Advanced modeling of protein sequence and biophysical properties (such as structural, functional, and spatial information, amino acid conservation, physicochemical variation, residue mobility, and thermodynamic stability) performed at Invitae indicates that this missense variant is not expected to disrupt MOCOS protein function with a negative predictive value of 80%. In summary, the available evidence is currently insufficient to determine the role of this variant in disease. Therefore, it has been classified as a Variant of Uncertain Significance.